The following is an entry in ClinVar:

ClinVar aggregate classification (germline): Benign. Review status: criteria provided, multiple submitters, no conflicts (2 of 4 stars). 2 submissions from 2 submitters: Benign (2). Last evaluated 2018-06-19.

Allele frequency attached by ClinVar (database versions not stated): 1000 Genomes Project 0.06130; 1000 Genomes Project 30x 0.06184; TOPMed 0.06622; gnomAD 0.07571 and 0.07589; gnomAD exomes 0.08137.
gnomAD v4.1: 44,338 of 555,924 alleles (8%); highest among the groups gnomAD compares: Middle Eastern, 12%; 1,941 homozygotes.

Submissions (2):

GeneDx
Classification: Benign. Last evaluated: 2018-06-19. Review status: criteria provided, single submitter. Criteria: GeneDx Variant Classification (06012015). Collection method: clinical testing. Allele origin: germline. Affected: yes.
Comment: This variant is considered likely benign or benign based on one or more of the following criteria: it is a conservative change, it occurs at a poorly conserved position in the protein, it is predicted to be benign by multiple in silico algorithms, and/or has population frequency not consistent with disease.

Breakthrough Genomics
Classification: Benign. Review status: criteria provided, single submitter. Criteria: ACMG Guidelines, 2015. Collection method: not provided. Allele origin: germline. Inheritance: Autosomal recessive inheritance. Affected: yes.

NM_020191.4(MRPS22):c.504+217A>G

Gene: MRPS22 (mitochondrial ribosomal protein S22; plus strand). Cytogenetic location: 3q23.
Variant type: single nucleotide variant.
Coding change: c.504+217A>G on transcript NM_020191.4 (MANE Select); 217 bases into the intron after coding-DNA position 504, A replaced by G.
Molecular consequence: intron variant.
Genome position (GRCh38, 1-based): chr3:139,348,541, A>G. VCF-style: chr3-139348541-A-G. GRCh37 (hg19) VCF-style: chr3-139067383-A-G.
Other names: c.501+217A>G (NM_001363893.1); c.381+217A>G (NM_001363857.1).
Identifiers: ClinVar variation 678573 (VCV000678573.2), dbSNP rs17394620, ClinGen allele CA83994006.